The following is an entry in ClinVar:

NM_001927.4(DES):c.556G>C (p.Asp186His)

Gene: DES (desmin; plus strand). Cytogenetic location: 2q35.
Variant type: single nucleotide variant.
Coding change: c.556G>C on transcript NM_001927.4 (MANE Select); coding-DNA position 556, G replaced by C.
Protein change: p.Asp186His; replaces aspartic acid 186 with histidine.
Molecular consequence: missense variant. On other transcripts: intron variant (1).
Genome position (GRCh38, 1-based): chr2:219,419,018, G>C. VCF-style: chr2-219419018-G-C. GRCh37 (hg19) VCF-style: chr2-220283740-G-C.
Other names: c.556G>C, p.Asp186His (NM_001382708.1, NM_001382709.1, NM_001382710.1 and 2 more transcripts); c.495+61G>C (NM_001382713.1); short protein forms D186H.
Identifiers: ClinVar variation 2129727 (VCV002129727.4), dbSNP rs878854473, ClinGen allele CA350687097.

ClinVar aggregate classification (germline): Uncertain significance (1 of 4 stars; one submission).

Conditions:
Desmin-related myofibrillar myopathy (MFM1). Also called: Desminopathy; MYOFIBRILLAR MYOPATHY WITH ARRHYTHMOGENIC RIGHT VENTRICULAR CARDIOMYOPATHY; DESMIN-RELATED MYOPATHY WITH ARRHYTHMOGENIC RIGHT VENTRICULAR CARDIOMYOPATHY; Desmin related myopathy (former name); Desmin storage myopathy (former name); Myofibrillar myopathy 1. Identifiers: Orphanet 363543, Orphanet 98909, MedGen C1832370, MONDO:0011076, OMIM 601419.

Submission:

Labcorp Genetics (formerly Invitae), Labcorp
Classification: Uncertain significance for Desmin-related myofibrillar myopathy. Last evaluated: 2024-10-28. Review status: criteria provided, single submitter. Criteria: Invitae Variant Classification Sherloc (09022015). Collection method: clinical testing. Allele origin: germline.
Comment: This sequence change replaces aspartic acid, which is acidic and polar, with histidine, which is basic and polar, at codon 186 of the DES protein (p.Asp186His). This variant is not present in population databases (gnomAD no frequency). This variant has not been reported in the literature in individuals affected with DES-related conditions. ClinVar contains an entry for this variant (Variation ID: 2129727). Invitae Evidence Modeling of protein sequence and biophysical properties (such as structural, functional, and spatial information, amino acid conservation, physicochemical variation, residue mobility, and thermodynamic stability) indicates that this missense variant is expected to disrupt DES protein function with a positive predictive value of 95%. In summary, the available evidence is currently insufficient to determine the role of this variant in disease. Therefore, it has been classified as a Variant of Uncertain Significance.